The following is an entry in ClinVar:

ClinVar aggregate classification (germline): Uncertain significance (1 of 4 stars; one submission).

Submission:

GeneDx
Classification: Uncertain significance. Last evaluated: 2022-12-01. Review status: criteria provided, single submitter. Criteria: GeneDx Variant Classification Process June 2021. Collection method: clinical testing. Allele origin: germline. Affected: yes.
Comment: Not observed at significant frequency in large population cohorts (gnomAD); In silico analysis supports that this missense variant has a deleterious effect on protein structure/function; Has not been previously published as pathogenic or benign to our knowledge

NM_000051.4(ATM):c.4118A>T (p.Asp1373Val)

Gene: ATM (ATM serine/threonine kinase; plus strand). Cytogenetic location: 11q22.3.
Variant type: single nucleotide variant.
Coding change: c.4118A>T on transcript NM_000051.4 (MANE Select); coding-DNA position 4118, A replaced by T.
Protein change: p.Asp1373Val; replaces aspartic acid 1373 with valine.
Molecular consequence: missense variant.
Genome position (GRCh38, 1-based): chr11:108,288,985, A>T. VCF-style: chr11-108288985-A-T. GRCh37 (hg19) VCF-style: chr11-108159712-A-T.
Other names: c.4118A>T, p.Asp1373Val (NM_001351834.2); short protein forms D1373V.
Identifiers: ClinVar variation 2504289 (VCV002504289.1), dbSNP rs2135750573, ClinGen allele CA382529771.
Genomic context (GRCh38, chr11:108,288,985, plus strand): 5'-TGAACAAAACTTTTTAAAACGATGACTGTATTTTTTCCCTTAACTCTGTTAGGGATTTGG[A>T]TCCTGCTCCTAATCCACCTCATTTTCCATCGCATGTGATTAAAGCAACATTTGCCTATAT-3'
Protein context (NP_000042.3, residues 1363-1383): TDLCDFSGDL[Asp1373Val]PAPNPPHFPS